The following is an entry in ClinVar:

ClinVar aggregate classification (germline): Uncertain significance. Review status: criteria provided, multiple submitters, no conflicts (2 of 4 stars). 2 submissions from 2 submitters: Uncertain significance (2). Last evaluated 2026-01-19.

Conditions:
DYRK1A-related intellectual disability syndrome (MRD7). Also called: DYRK1A Syndrome; Intellectual developmental disorder, autosomal dominant 7. Identifiers: Orphanet 464306, MedGen C5568143, MONDO:0013578, OMIM 614104.

Allele frequency attached by ClinVar (database versions not stated): TOPMed below 0.00001.

Submissions (2):

Labcorp Genetics (formerly Invitae), Labcorp
Classification: Uncertain significance for DYRK1A-related intellectual disability syndrome. Last evaluated: 2026-01-19. Review status: criteria provided, single submitter. Criteria: Invitae Variant Classification Sherloc (09022015). Collection method: clinical testing. Allele origin: germline.
Comment: This sequence change replaces proline, which is neutral and non-polar, with alanine, which is neutral and non-polar, at codon 359 of the DYRK1A protein (p.Pro359Ala). This variant is not present in population databases (gnomAD no frequency). This variant has not been reported in the literature in individuals affected with DYRK1A-related conditions. ClinVar contains an entry for this variant (Variation ID: 1721976). Invitae Evidence Modeling of protein sequence and biophysical properties (such as structural, functional, and spatial information, amino acid conservation, physicochemical variation, residue mobility, and thermodynamic stability) indicates that this missense variant is not expected to disrupt DYRK1A protein function with a negative predictive value of 80%. In summary, the available evidence is currently insufficient to determine the role of this variant in disease. Therefore, it has been classified as a Variant of Uncertain Significance.

GeneDx
Classification: Uncertain significance. Last evaluated: 2022-11-21. Review status: criteria provided, single submitter. Criteria: GeneDx Variant Classification Process June 2021. Collection method: clinical testing. Allele origin: germline. Affected: yes.
Comment: Not observed at significant frequency in large population cohorts (gnomAD); In silico analysis supports that this missense variant has a deleterious effect on protein structure/function; Has not been previously published as pathogenic or benign to our knowledge

NM_001347721.2(DYRK1A):c.1048C>G (p.Pro350Ala)

Gene: DYRK1A (dual specificity tyrosine phosphorylation regulated kinase 1A; plus strand). Cytogenetic location: 21q22.13.
Variant type: single nucleotide variant.
Coding change: c.1048C>G on transcript NM_001347721.2 (MANE Select); coding-DNA position 1048, C replaced by G.
Protein change: p.Pro350Ala; replaces proline 350 with alanine.
Molecular consequence: missense variant.
Genome position (GRCh38, 1-based): chr21:37,493,140, C>G. VCF-style: chr21-37493140-C-G. GRCh37 (hg19) VCF-style: chr21-38865442-C-G.
Other names: c.1075C>G (NM_001396.3); c.1048C>G, p.Pro350Ala (NM_001347722.2, NM_130436.2); c.961C>G, p.Pro321Ala (NM_001347723.2); c.1075C>G, p.Pro359Ala (NM_001396.5, NM_101395.2, NM_130438.2); short protein forms P321A, P350A, P359A.
Identifiers: ClinVar variation 1721976 (VCV001721976.6), dbSNP rs2053153496, ClinGen allele CA409936641.
Genomic context (GRCh38, chr21:37,493,140, plus strand): 5'-GACCTTGCCATTGATATGTGGTCCCTCGGGTGTATTTTGGTTGAAATGCACACTGGAGAA[C>G]CTCTGTTCAGTGGTGCCAATGAGGTAAATGATGTATTGCTTTACAAATTCTGTTTTCATA-3'
Protein context (NP_001334650.1, residues 340-360): CILVEMHTGE[Pro350Ala]LFSGANEVDQ